The following is an entry in ClinVar:

ClinVar aggregate classification (germline): Uncertain significance (1 of 4 stars; one submission).

gnomAD v4.1: 1 of 1,614,072 alleles (0.000062%); highest among the groups gnomAD compares: East Asian, 0.0022%; no homozygotes.

Submission:

GeneDx
Classification: Uncertain significance. Last evaluated: 2024-03-08. Review status: criteria provided, single submitter. Criteria: GeneDx Variant Classification Process June 2021. Collection method: clinical testing. Allele origin: germline. Affected: yes.
Comment: Not observed at significant frequency in large population cohorts (gnomAD); In silico analysis supports that this missense variant does not alter protein structure/function; Has not been previously published as pathogenic or benign to our knowledge

NM_001161352.2(KCNMA1):c.2304A>T (p.Lys768Asn)

Genes: KCNMA1 (potassium calcium-activated channel subfamily M alpha 1; minus strand), KCNMA1-AS1 (KCNMA1 antisense RNA 1; plus strand). Cytogenetic location: 10q22.3.
Variant type: single nucleotide variant.
Coding change: c.2304A>T on transcript NM_001161352.2 (MANE Select); coding-DNA position 2304, A replaced by T.
Protein change: p.Lys768Asn; replaces lysine 768 with asparagine.
Molecular consequence: missense variant.
Genome position (GRCh38, 1-based): chr10:76,970,030, T>A on the plus strand (A>T on the coding strand, the complement: KCNMA1 is on the minus strand). VCF-style: chr10-76970030-T-A. GRCh37 (hg19) VCF-style: chr10-78729788-T-A.
Other names: c.2142A>T, p.Lys714Asn (NM_001014797.3, NM_001322835.2, NM_001322837.2); c.2130A>T, p.Lys710Asn (NM_001161353.2, NM_001322832.2, NM_001410940.1 and 1 more transcripts); c.1980A>T, p.Lys660Asn (NM_001271518.2); c.2139A>T, p.Lys713Asn (NM_001271519.2, NM_001322829.2, NM_001322836.2); c.2151A>T, p.Lys717Asn (NM_001322830.2); c.1677A>T, p.Lys559Asn (NM_001322838.2); short protein forms K559N, K660N, K710N, K713N, K714N, K717N, K768N.
Identifiers: ClinVar variation 3373711 (VCV003373711.1).